The following is an entry in ClinVar:

NM_006015.6(ARID1A):c.2078G>A (p.Arg693Gln)

Gene: ARID1A (AT-rich interaction domain 1A; plus strand). Cytogenetic location: 1p36.11.
Variant type: single nucleotide variant.
Coding change: c.2078G>A on transcript NM_006015.6 (MANE Select); coding-DNA position 2078, G replaced by A.
Protein change: p.Arg693Gln; replaces arginine 693 with glutamine.
Molecular consequence: missense variant.
Genome position (GRCh38, 1-based): chr1:26,761,013, G>A. VCF-style: chr1-26761013-G-A. GRCh37 (hg19) VCF-style: chr1-27087504-G-A.
Other names: c.2078G>A, p.Arg693Gln (NM_139135.4); short protein forms R693Q.
Identifiers: ClinVar variation 1373014 (VCV001373014.6), dbSNP rs770764901, ClinGen allele CA706902.

ClinVar aggregate classification (germline): Uncertain significance (1 of 4 stars; one submission).

Allele frequency attached by ClinVar (database versions not stated): gnomAD exomes 0.00001 and below 0.00001; TOPMed below 0.00001; ExAC 0.00001.
gnomAD v4.1: 16 of 1,613,958 alleles (0.00099%); highest among the groups gnomAD compares: East Asian, 0.0045%; no homozygotes.

Submission:

Labcorp Genetics (formerly Invitae), Labcorp
Classification: Uncertain significance. Last evaluated: 2026-01-01. Review status: criteria provided, single submitter. Criteria: Invitae Variant Classification Sherloc (09022015). Collection method: clinical testing. Allele origin: germline.
Comment: This sequence change replaces arginine, which is basic and polar, with glutamine, which is neutral and polar, at codon 693 of the ARID1A protein (p.Arg693Gln). This variant is present in population databases (rs770764901, gnomAD 0.006%). This variant has not been reported in the literature in individuals affected with ARID1A-related conditions. ClinVar contains an entry for this variant (Variation ID: 1373014). Invitae Evidence Modeling of protein sequence and biophysical properties (such as structural, functional, and spatial information, amino acid conservation, physicochemical variation, residue mobility, and thermodynamic stability) indicates that this missense variant is not expected to disrupt ARID1A protein function with a negative predictive value of 80%. In summary, the available evidence is currently insufficient to determine the role of this variant in disease. Therefore, it has been classified as a Variant of Uncertain Significance.